The following is an entry in ClinVar:

NM_024408.4(NOTCH2):c.5278G>A (p.Asp1760Asn)

Gene: NOTCH2 (notch receptor 2; minus strand). Cytogenetic location: 1p12.
Variant type: single nucleotide variant.
Coding change: c.5278G>A on transcript NM_024408.4 (MANE Select); coding-DNA position 5278, G replaced by A.
Protein change: p.Asp1760Asn; replaces aspartic acid 1760 with asparagine.
Molecular consequence: missense variant.
Genome position (GRCh38, 1-based): chr1:119,921,745, C>T on the plus strand (G>A on the coding strand, the complement: NOTCH2 is on the minus strand). VCF-style: chr1-119921745-C-T. GRCh37 (hg19) VCF-style: chr1-120464368-C-T.
Other names: short protein forms D1760N.
Identifiers: ClinVar variation 1911931 (VCV001911931.6), dbSNP rs1034013158, ClinGen allele CA30316216.
Genomic context (GRCh38, chr1:119,921,745, plus strand): 5'-AATGGTGGTTCTACCATGGCCACCTCACCTTTACTTTCTTTGGCTGGGGCCCTTCATCAT[C>T]GACCCAGTGTTCACTTGTTCCAGTACCAATTAGGTTAGCTTCTGAGACTTGCACTGAGAG-3'
Protein context (NP_077719.2, residues 1750-1770): IGTGTSEHWV[Asp1760Asn]DEGPQPKKVK

ClinVar aggregate classification (germline): Uncertain significance. Review status: criteria provided, multiple submitters, no conflicts (2 of 4 stars). 2 submissions from 2 submitters: Uncertain significance (2). Last evaluated 2025-10-02.

Conditions:
Hajdu-Cheney syndrome (HJCYS). Also called: ACROOSTEOLYSIS WITH OSTEOPOROSIS AND CHANGES IN SKULL AND MANDIBLE; Acroosteolysis dominant type; SERPENTINE FIBULA-POLYCYSTIC KIDNEY SYNDROME. Identifiers: Orphanet 955, MedGen C0917715, MONDO:0007057, OMIM 102500.

Allele frequency attached by ClinVar (database versions not stated): gnomAD exomes 0.00001; gnomAD 0.00003; TOPMed 0.00003.
gnomAD v4.1: 16 of 1,614,024 alleles (0.00099%); highest among the groups gnomAD compares: African/African-American, 0.0027%; no homozygotes.

Submissions (2):

Labcorp Genetics (formerly Invitae), Labcorp
Classification: Uncertain significance for Hajdu-Cheney syndrome. Last evaluated: 2025-10-02. Review status: criteria provided, single submitter. Criteria: Invitae Variant Classification Sherloc (09022015). Collection method: clinical testing. Allele origin: germline.
Comment: This sequence change replaces aspartic acid, which is acidic and polar, with asparagine, which is neutral and polar, at codon 1760 of the NOTCH2 protein (p.Asp1760Asn). This variant is present in population databases (no rsID available, gnomAD 0.003%). This variant has not been reported in the literature in individuals affected with NOTCH2-related conditions. ClinVar contains an entry for this variant (Variation ID: 1911931). Invitae Evidence Modeling of protein sequence and biophysical properties (such as structural, functional, and spatial information, amino acid conservation, physicochemical variation, residue mobility, and thermodynamic stability) indicates that this missense variant is not expected to disrupt NOTCH2 protein function with a negative predictive value of 80%. In summary, the available evidence is currently insufficient to determine the role of this variant in disease. Therefore, it has been classified as a Variant of Uncertain Significance.

Blueprint Genetics
Classification: Uncertain significance. Last evaluated: 2023-12-18. Review status: criteria provided, single submitter. Criteria: ACMG Guidelines, 2015. Collection method: clinical testing. Allele origin: germline.